The following is an entry in ClinVar:

NM_005591.4(MRE11):c.2065A>T (p.Ser689Cys)

Gene: MRE11 (MRE11 double strand break repair nuclease; minus strand). Cytogenetic location: 11q21.
Variant type: single nucleotide variant.
Coding change: c.2065A>T on transcript NM_005591.4 (MANE Select); coding-DNA position 2065, A replaced by T.
Protein change: p.Ser689Cys; replaces serine 689 with cysteine.
Molecular consequence: missense variant.
Genome position (GRCh38, 1-based): chr11:94,429,916, T>A on the plus strand (A>T on the coding strand, the complement: MRE11 is on the minus strand). VCF-style: chr11-94429916-T-A. GRCh37 (hg19) VCF-style: chr11-94163082-T-A.
Other names: c.2062A>T, p.Ser688Cys (NM_001330347.2); c.1981A>T, p.Ser661Cys (NM_005590.4); short protein forms S661C, S689C, S688C.
Identifiers: ClinVar variation 820599 (VCV000820599.4), dbSNP rs1591633806, ClinGen allele CA382373438.

ClinVar aggregate classification (germline): Uncertain significance (1 of 4 stars; one submission).

Conditions:
Hereditary cancer-predisposing syndrome. Also called: Neoplastic Syndromes, Hereditary; Tumor predisposition; Hereditary Cancer Syndrome; Hereditary neoplastic syndrome. Identifiers: Orphanet 140162, MedGen C0027672, MeSH D009386, MONDO:0015356.

gnomAD v4.1: 2 of 1,612,802 alleles (0.00012%); highest among the groups gnomAD compares: Non-Finnish European, 0.00017%; no homozygotes.

Submission:

Ambry Genetics
Classification: Uncertain significance for Hereditary cancer-predisposing syndrome. Last evaluated: 2019-09-13. Review status: criteria provided, single submitter. Criteria: Ambry Variant Classification Scheme 2023. Collection method: clinical testing. Allele origin: germline.
Comment: The p.S689C variant (also known as c.2065A>T), located in coding exon 18 of the MRE11A gene, results from an A to T substitution at nucleotide position 2065. The serine at codon 689 is replaced by cysteine, an amino acid with dissimilar properties. This amino acid position is poorly conserved in available vertebrate species. In addition, this alteration is predicted to be tolerated by in silico analysis. Since supporting evidence is limited at this time, the clinical significance of this alteration remains unclear.